The following is an entry in ClinVar:

ClinVar aggregate classification (germline): Likely pathogenic. Review status: criteria provided, multiple submitters, no conflicts (2 of 4 stars). 2 submissions from 2 submitters: Likely pathogenic (2). Last evaluated 2025-07-04.

Conditions:
Hypotonia. Also called: Muscular hypotonia; poor muscle tone. Identifiers: MedGen C0026827, HP:0001252.

Submissions (2):

Clinical Genetics Laboratory, Skane University Hospital Lund
Classification: Likely pathogenic for Hypotonia. Last evaluated: 2025-07-04. Review status: criteria provided, single submitter. Criteria: ACMG Guidelines, 2015. Collection method: clinical testing. Allele origin: de novo. Inheritance: Autosomal dominant inheritance. Affected: yes.

GeneDx
Classification: Likely pathogenic. Last evaluated: 2023-07-06. Review status: criteria provided, single submitter. Criteria: GeneDx Variant Classification Process June 2021. Collection method: clinical testing. Allele origin: germline. Affected: yes.
Comment: Not observed at significant frequency in large population cohorts (gnomAD); In silico analysis supports that this missense variant has a deleterious effect on protein structure/function; Has not been previously published as pathogenic or benign to our knowledge

NM_000719.7(CACNA1C):c.3985C>T (p.Arg1329Cys)

Gene: CACNA1C (calcium voltage-gated channel subunit alpha1 C; plus strand). Cytogenetic location: 12p13.33.
Variant type: single nucleotide variant.
Coding change: c.3985C>T on transcript NM_000719.7 (MANE Select); coding-DNA position 3985, C replaced by T.
Protein change: p.Arg1329Cys; replaces arginine 1329 with cysteine.
Molecular consequence: missense variant.
Genome position (GRCh38, 1-based): chr12:2,651,679, C>T. VCF-style: chr12-2651679-C-T. GRCh37 (hg19) VCF-style: chr12-2760845-C-T.
Other names: c.3985C>T, p.Arg1329Cys (NM_001167623.2, NM_001167624.3, NM_001129830.3 and 7 more transcripts); c.3952C>T, p.Arg1318Cys (NM_001167625.2, NM_001129837.2, NM_001129838.2 and 1 more transcripts); c.4129C>T, p.Arg1377Cys (NM_199460.4, NM_001129827.2); c.4051C>T, p.Arg1351Cys (NM_001129829.2); c.4069C>T, p.Arg1357Cys (NM_001129831.2); c.4045C>T, p.Arg1349Cys (NM_001129832.2); c.4036C>T, p.Arg1346Cys (NM_001129836.2); c.3946C>T, p.Arg1316Cys (NM_001129839.2); and 1 more; short protein forms R1316C, R1318C, R1326C, R1329C, R1346C, R1349C, R1351C, R1357C.
Identifiers: ClinVar variation 1214422 (VCV001214422.5), dbSNP rs2153655212, ClinGen allele CA383373541.